The following is an entry in ClinVar:

NM_003072.5(SMARCA4):c.4302C>A (p.Asp1434Glu)

Gene: SMARCA4 (SWI/SNF related BAF chromatin remodeling complex subunit ATPase 4; plus strand). Cytogenetic location: 19p13.2.
Variant type: single nucleotide variant.
Coding change: c.4302C>A on transcript NM_003072.5 (MANE Select); coding-DNA position 4302, C replaced by A.
Protein change: p.Asp1434Glu; replaces aspartic acid 1434 with glutamic acid.
Molecular consequence: missense variant. On other transcripts: non-coding transcript variant (1).
Genome position (GRCh38, 1-based): chr19:11,041,438, C>A. VCF-style: chr19-11041438-C-A. GRCh37 (hg19) VCF-style: chr19-11152114-C-A.
Other names: c.4302C>A, p.Asp1434Glu (NM_001128844.3); c.4212C>A, p.Asp1404Glu (NM_001128845.2, NM_001128846.2); c.4203C>A, p.Asp1401Glu (NM_001128847.4, NM_001128848.2, NM_001374457.1); c.4398C>A, p.Asp1466Glu (NM_001128849.3); short protein forms D1404E, D1401E, D1466E, D1434E.
Identifiers: ClinVar variation 940887 (VCV000940887.13), dbSNP rs146747026, ClinGen allele CA305294392.
Genomic context (GRCh38, chr19:11,041,438, plus strand): 5'-GCGAGACAGCGACGCCGGCTCCTCCACCCCGACCACCAGCACCCGCAGCCGCGACAAGGA[C>A]GACGAGAGCAAGAAGCAGAAGAAGCGCGGGCGGCCGCCTGCCGAGAAACTCTCCCCTAAC-3'
Protein context (NP_003063.2, residues 1424-1444): PTTSTRSRDK[Asp1434Glu]DESKKQKKRG

ClinVar aggregate classification (germline): Conflicting classifications of pathogenicity. Review status: criteria provided, conflicting classifications (1 of 4 stars). 2 submissions from 2 submitters: Uncertain significance (1); Likely benign (1). Last evaluated 2024-09-04.

Conditions:
Rhabdoid tumor predisposition syndrome 2 (RTPS2). Identifiers: Orphanet 231108, Orphanet 69077, MedGen C2750074, MONDO:0013224, OMIM 613325.
Hereditary cancer-predisposing syndrome. Also called: Hereditary neoplastic syndrome; Neoplastic Syndromes, Hereditary; Tumor predisposition; Hereditary Cancer Syndrome. Identifiers: Orphanet 140162, MedGen C0027672, MeSH D009386, MONDO:0015356.

gnomAD v4.1: 5 of 1,612,586 alleles (0.00031%); highest among the groups gnomAD compares: Non-Finnish European, 0.00042%; no homozygotes.

Submissions (2):

Labcorp Genetics (formerly Invitae), Labcorp
Classification: Uncertain significance for Rhabdoid tumor predisposition syndrome 2. Last evaluated: 2024-09-04. Review status: criteria provided, single submitter. Criteria: Invitae Variant Classification Sherloc (09022015). Collection method: clinical testing. Allele origin: germline.
Comment: This sequence change replaces aspartic acid, which is acidic and polar, with glutamic acid, which is acidic and polar, at codon 1466 of the SMARCA4 protein (p.Asp1466Glu). This variant is not present in population databases (gnomAD no frequency). This variant has not been reported in the literature in individuals affected with SMARCA4-related conditions. ClinVar contains an entry for this variant (Variation ID: 940887). Invitae Evidence Modeling of protein sequence and biophysical properties (such as structural, functional, and spatial information, amino acid conservation, physicochemical variation, residue mobility, and thermodynamic stability) indicates that this missense variant is not expected to disrupt SMARCA4 protein function with a negative predictive value of 95%. In summary, the available evidence is currently insufficient to determine the role of this variant in disease. Therefore, it has been classified as a Variant of Uncertain Significance.

Ambry Genetics
Classification: Likely benign for Hereditary cancer-predisposing syndrome. Last evaluated: 2024-07-22. Review status: criteria provided, single submitter. Criteria: Ambry Variant Classification Scheme 2023. Collection method: clinical testing. Allele origin: germline.